The following is an entry in ClinVar:

NM_001374828.1(ARID1B):c.4846A>G (p.Met1616Val)

Gene: ARID1B (AT-rich interaction domain 1B; plus strand). Cytogenetic location: 6q25.3.
Variant type: single nucleotide variant.
Coding change: c.4846A>G on transcript NM_001374828.1 (MANE Select); coding-DNA position 4846, A replaced by G.
Protein change: p.Met1616Val; replaces methionine 1616 with valine.
Molecular consequence: missense variant.
Genome position (GRCh38, 1-based): chr6:157,201,071, A>G. VCF-style: chr6-157201071-A-G. GRCh37 (hg19) VCF-style: chr6-157522205-A-G.
Other names: c.4477A>G (NM_020732.3); c.2347A>G, p.Met783Val (NM_001363725.2); c.4726A>G, p.Met1576Val (NM_001371656.1, NM_001374820.1); c.4687A>G, p.Met1563Val (NM_017519.3); short protein forms M1563V, M1576V, M1616V, M783V.
Identifiers: ClinVar variation 1344998 (VCV001344998.9), dbSNP rs142788313, ClinGen allele CA4067723.

ClinVar aggregate classification (germline): Benign/Likely benign. Review status: criteria provided, multiple submitters, no conflicts (2 of 4 stars). 5 submissions from 5 submitters: Benign (1); Likely benign (3). 1 of the submissions does not count toward it. Last evaluated 2025-02-20.

Conditions:
ARID1B-Related Disorder. Identifiers: MedGen CN381337.
Inborn genetic diseases. Identifiers: MedGen C0950123, MeSH D030342.

Allele frequency attached by ClinVar (database versions not stated): gnomAD exomes 0.00002 and 0.00005; ExAC 0.00009; gnomAD 0.00022 and 0.00026; TOPMed 0.00026; ESP Exome Variant Server 0.00046.

Submissions (5):

Ambry Genetics
Classification: Likely benign for Inborn genetic diseases. Last evaluated: 2025-02-20. Review status: criteria provided, single submitter. Criteria: Ambry Variant Classification Scheme 2023. Collection method: clinical testing. Allele origin: germline.

Labcorp Genetics (formerly Invitae), Labcorp
Classification: Benign. Last evaluated: 2024-06-18. Review status: criteria provided, single submitter. Criteria: Invitae Variant Classification Sherloc (09022015). Collection method: clinical testing. Allele origin: germline.

GeneDx
Classification: Likely benign. Last evaluated: 2021-09-16. Review status: criteria provided, single submitter. Criteria: GeneDx Variant Classification Process June 2021. Collection method: clinical testing. Allele origin: germline. Affected: yes.

Breakthrough Genomics
Classification: Likely benign. Review status: criteria provided, single submitter. Criteria: ACMG Guidelines, 2015. Collection method: not provided. Allele origin: germline. Inheritance: Autosomal dominant inheritance. Affected: yes.

PreventionGenetics, part of Exact Sciences
Classification: Likely benign for ARID1B-related condition. Last evaluated: 2023-10-19. Review status: no assertion criteria provided. Collection method: clinical testing. Allele origin: germline. Not counted in ClinVar's aggregate classification.
Comment: This variant is classified as likely benign based on ACMG/AMP sequence variant interpretation guidelines (Richards et al. 2015 PMID: 25741868, with internal and published modifications).